The following is an entry in ClinVar:

ClinVar aggregate classification (germline): Likely benign. Review status: criteria provided, multiple submitters, no conflicts (2 of 4 stars). 3 submissions from 3 submitters: Likely benign (3). Last evaluated 2026-06-06.

Conditions:
Cardiovascular phenotype. Identifiers: MedGen CN230736.
Myofibrillar myopathy 5. Also called: Filaminopathy (type); FILAMINOPATHY, AUTOSOMAL DOMINANT. Identifiers: Orphanet 171445, MedGen C1836050, MONDO:0012289, OMIM 609524.
Hypertrophic cardiomyopathy 26. Also called: Cardiomyopathy, familial hypertrophic, 26. Identifiers: Orphanet 75249, MedGen C4310749, MONDO:0014883, OMIM 617047.
Distal myopathy with posterior leg and anterior hand involvement. Also called: WILLIAMS DISTAL MYOPATHY. Identifiers: Orphanet 63273, MedGen C3279722, MONDO:0013550, OMIM 614065.

Allele frequency attached by ClinVar (database versions not stated): gnomAD 0.00001; gnomAD exomes 0.00001.
gnomAD v4.1: 14 of 1,606,914 alleles (0.00087%); highest among the groups gnomAD compares: East Asian, 0.023%; no homozygotes.

Submissions (3):

Ambry Genetics
Classification: Likely benign for Cardiovascular phenotype. Last evaluated: 2026-06-06. Review status: criteria provided, single submitter. Criteria: Ambry Variant Classification Scheme 2023. Collection method: clinical testing. Allele origin: germline.

CeGaT Center for Human Genetics Tuebingen
Classification: Likely benign. Last evaluated: 2023-04-01. Review status: criteria provided, single submitter. Criteria: CeGaT Center For Human Genetics Tuebingen Variant Classification Criteria Version 2. Collection method: clinical testing. Allele origin: germline. Affected: yes. Observed: 1 variant allele.
Comment: FLNC: BP4, BP7

Labcorp Genetics (formerly Invitae), Labcorp
Classification: Likely benign for Distal myopathy with posterior leg and anterior hand involvement; Myofibrillar myopathy 5; Hypertrophic cardiomyopathy 26. Last evaluated: 2023-03-20. Review status: criteria provided, single submitter. Criteria: Invitae Variant Classification Sherloc (09022015). Collection method: clinical testing. Allele origin: germline.

NM_001458.5(FLNC):c.4542G>A (p.Thr1514=)

Gene: FLNC (filamin C; plus strand). Cytogenetic location: 7q32.1.
Variant type: single nucleotide variant.
Coding change: c.4542G>A on transcript NM_001458.5 (MANE Select); coding-DNA position 4542, G replaced by A.
Protein change: p.Thr1514=; no amino-acid change (threonine 1514 retained).
Molecular consequence: synonymous variant.
Genome position (GRCh38, 1-based): chr7:128,848,030, G>A. VCF-style: chr7-128848030-G-A. GRCh37 (hg19) VCF-style: chr7-128488084-G-A.
Other names: c.4542G>A, p.Thr1514= (NM_001127487.2).
Identifiers: ClinVar variation 2156208 (VCV002156208.29), dbSNP rs1034934823, ClinGen allele CA166183496.